The following is an entry in ClinVar:

ClinVar aggregate classification (germline): Conflicting classifications of pathogenicity. Review status: criteria provided, conflicting classifications (1 of 4 stars). 2 submissions from 2 submitters: Uncertain significance (1); Likely benign (1). Last evaluated 2025-06-30.

Conditions:
Autosomal recessive limb-girdle muscular dystrophy type 2J (LGMDR10). Also called: Limb-girdle muscular dystrophy, type 2J; MUSCULAR DYSTROPHY, LIMB-GIRDLE, AUTOSOMAL RECESSIVE 10. Identifiers: Orphanet 140922, MedGen C1837342, MONDO:0012127, OMIM 608807.
Dilated cardiomyopathy 1G (CMD1G). Identifiers: Orphanet 154, MedGen C1858763, MONDO:0011400, OMIM 604145.
Cardiovascular phenotype. Identifiers: MedGen CN230736.

Allele frequency attached by ClinVar (database versions not stated): ExAC 0.00002; TOPMed 0.00002; gnomAD exomes 0.00005.
gnomAD v4.1: 26 of 1,614,142 alleles (0.0016%); highest among the groups gnomAD compares: Admixed American, 0.022%; no homozygotes.

Submissions (2):

Labcorp Genetics (formerly Invitae), Labcorp
Classification: Likely benign for Dilated cardiomyopathy 1G; Autosomal recessive limb-girdle muscular dystrophy type 2J. Last evaluated: 2025-06-30. Review status: criteria provided, single submitter. Criteria: Invitae Variant Classification Sherloc (09022015). Collection method: clinical testing. Allele origin: germline.

Ambry Genetics
Classification: Uncertain significance for Cardiovascular phenotype. Last evaluated: 2022-04-21. Review status: criteria provided, single submitter. Criteria: Ambry Variant Classification Scheme 2023. Collection method: clinical testing. Allele origin: germline.
Comment: The c.2136C>T variant (also known as p.H712H), located in coding exon 12 of the TTN gene, results from a C to T substitution at nucleotide position 2136. This nucleotide substitution does not change the histidine at codon 712. This nucleotide position is poorly conserved in available vertebrate species. In silico splice site analysis for this alteration is inconclusive. Since supporting evidence is limited at this time, the clinical significance of this alteration remains unclear.

NM_001267550.2(TTN):c.2274C>T (p.His758=)

Gene: TTN (titin; minus strand). Cytogenetic location: 2q31.2.
Variant type: single nucleotide variant.
Coding change: c.2274C>T on transcript NM_001267550.2 (MANE Select); coding-DNA position 2274, C replaced by T.
Protein change: p.His758=; no amino-acid change (histidine 758 retained).
Molecular consequence: synonymous variant.
Genome position (GRCh38, 1-based): chr2:178,785,944, G>A on the plus strand (C>T on the coding strand, the complement: TTN is on the minus strand). VCF-style: chr2-178785944-G-A. GRCh37 (hg19) VCF-style: chr2-179650671-G-A.
Other names: c.2274C>T, p.His758= (NM_001256850.1, NM_133378.4, NM_133379.5); c.2136C>T, p.His712= (NM_003319.4, NM_133432.3, NM_133437.4).
Identifiers: ClinVar variation 466913 (VCV000466913.11), dbSNP rs772664968, ClinGen allele CA2005865.
Genomic context (GRCh38, chr2:178,785,944, plus strand): 5'-TTTGATATGAGTCTCAGAAGGAGCCTGGATTACTCTAGGCTTGACTGCTTTAGGGACAAC[G>A]TGGGGTTCTGAGGCTGGACGTTGGGGAGGCTCAGCTACCTTTGCGGCGGAAATGCGTTCC-3'
Protein context (NP_001254479.2, residues 748-768): EPPQRPASEP[His758=]VVPKAVKPRV